The following is an entry in ClinVar:

NM_003239.5(TGFB3):c.1186C>T (p.Pro396Ser)

Gene: TGFB3 (transforming growth factor beta 3; minus strand). Cytogenetic location: 14q24.3.
Variant type: single nucleotide variant.
Coding change: c.1186C>T on transcript NM_003239.5 (MANE Select); coding-DNA position 1186, C replaced by T.
Protein change: p.Pro396Ser; replaces proline 396 with serine.
Molecular consequence: missense variant.
Genome position (GRCh38, 1-based): chr14:75,959,240, G>A on the plus strand (C>T on the coding strand, the complement: TGFB3 is on the minus strand). VCF-style: chr14-75959240-G-A. GRCh37 (hg19) VCF-style: chr14-76425583-G-A.
Other names: c.1186C>T, p.Pro396Ser (NM_001329939.2); short protein forms P396S.
Identifiers: ClinVar variation 477633 (VCV000477633.11), dbSNP rs899613458, ClinGen allele CA263700494.

ClinVar aggregate classification (germline): Uncertain significance (1 of 4 stars; one submission).

Conditions:
Rienhoff syndrome. Also called: LOEYS-DIETZ SYNDROME 5. Identifiers: MedGen C3810012, MONDO:0014262, OMIM 615582.

Allele frequency attached by ClinVar (database versions not stated): TOPMed 0.00001.
gnomAD v4.1: 2 of 1,614,132 alleles (0.00012%); highest among the groups gnomAD compares: Non-Finnish European, 0.00017%; no homozygotes.

Submission:

Labcorp Genetics (formerly Invitae), Labcorp
Classification: Uncertain significance for Rienhoff syndrome. Last evaluated: 2023-10-03. Review status: criteria provided, single submitter. Criteria: Invitae Variant Classification Sherloc (09022015). Collection method: clinical testing. Allele origin: germline.
Comment: This sequence change replaces proline, which is neutral and non-polar, with serine, which is neutral and polar, at codon 396 of the TGFB3 protein (p.Pro396Ser). This variant is not present in population databases (gnomAD no frequency). This variant has not been reported in the literature in individuals affected with TGFB3-related conditions. ClinVar contains an entry for this variant (Variation ID: 477633). Advanced modeling of protein sequence and biophysical properties (such as structural, functional, and spatial information, amino acid conservation, physicochemical variation, residue mobility, and thermodynamic stability) performed at Invitae indicates that this missense variant is not expected to disrupt TGFB3 protein function. In summary, the available evidence is currently insufficient to determine the role of this variant in disease. Therefore, it has been classified as a Variant of Uncertain Significance.